The following is an entry in ClinVar:

NM_002898.4(RBMS2):c.182G>A (p.Arg61Gln)

Gene: RBMS2 (RNA binding motif single stranded interacting protein 2; plus strand). Cytogenetic location: 12q13.3.
Variant type: single nucleotide variant.
Coding change: c.182G>A on transcript NM_002898.4 (MANE Select); coding-DNA position 182, G replaced by A.
Protein change: p.Arg61Gln; replaces arginine 61 with glutamine.
Molecular consequence: missense variant.
Genome position (GRCh38, 1-based): chr12:56,562,532, G>A. VCF-style: chr12-56562532-G-A. GRCh37 (hg19) VCF-style: chr12-56956316-G-A.
Other names: c.182G>A, p.Arg61Gln (NM_001414459.1, NM_001414460.1, NM_001414461.1); short protein forms R61Q.
Identifiers: ClinVar variation 5028029 (VCV005028029.1).

ClinVar aggregate classification (germline): Uncertain significance (1 of 4 stars; one submission).

gnomAD v4.1: 12 of 1,612,986 alleles (0.00074%); highest among the groups gnomAD compares: East Asian, 0.0022%; no homozygotes.

Submission:

Ambry Genetics
Classification: Uncertain significance. Last evaluated: 2026-07-14. Review status: criteria provided, single submitter. Criteria: Ambry Variant Classification Scheme 2023. Collection method: clinical testing. Allele origin: germline.
Comment: The c.182G>A (p.R61Q) alteration is located in exon 2 (coding exon 2) of the RBMS2 gene. This alteration results from a G to A substitution at nucleotide position 182, causing the arginine (R) at amino acid position 61 to be replaced by a glutamine (Q). Based on data from gnomAD, the A allele has an overall frequency of <0.001% (1/251368) total alleles studied. The highest observed frequency was 0.001% (1/113668) of European (non-Finnish) alleles. Based on insufficient or conflicting evidence, the clinical significance of this alteration remains unclear.